The following is an entry in ClinVar:

NM_019066.5(MAGEL2):c.1304C>G (p.Pro435Arg)

Gene: MAGEL2 (MAGE family member L2; minus strand). Cytogenetic location: 15q11.2.
Variant type: single nucleotide variant.
Coding change: c.1304C>G on transcript NM_019066.5 (MANE Select); coding-DNA position 1304, C replaced by G.
Protein change: p.Pro435Arg; replaces proline 435 with arginine.
Molecular consequence: missense variant.
Genome position (GRCh38, 1-based): chr15:23,646,439, G>C on the plus strand (C>G on the coding strand, the complement: MAGEL2 is on the minus strand). VCF-style: chr15-23646439-G-C. GRCh37 (hg19) VCF-style: chr15-23891586-G-C.
Other names: short protein forms P435R.
Identifiers: ClinVar variation 2849858 (VCV002849858.3), dbSNP rs2233062, ClinGen allele CA391334563.

ClinVar aggregate classification (germline): Uncertain significance (1 of 4 stars; one submission).

Submission:

Labcorp Genetics (formerly Invitae), Labcorp
Classification: Uncertain significance. Last evaluated: 2024-10-23. Review status: criteria provided, single submitter. Criteria: Invitae Variant Classification Sherloc (09022015). Collection method: clinical testing. Allele origin: germline.
Comment: This sequence change replaces proline, which is neutral and non-polar, with arginine, which is basic and polar, at codon 435 of the MAGEL2 protein (p.Pro435Arg). This variant is not present in population databases (gnomAD no frequency). This variant has not been reported in the literature in individuals affected with MAGEL2-related conditions. Experimental studies and prediction algorithms are not available or were not evaluated, and the functional significance of this variant is currently unknown. In summary, the available evidence is currently insufficient to determine the role of this variant in disease. Therefore, it has been classified as a Variant of Uncertain Significance.